The following is an entry in ClinVar:

ClinVar aggregate classification (germline): Pathogenic. Review status: criteria provided, multiple submitters, no conflicts (2 of 4 stars). 13 submissions from 13 submitters: Pathogenic (12). 1 of the submissions does not count toward it. Last evaluated 2026-04-30.

Conditions:
TSC1-related disorder. Also called: TSC1-related condition.
Hereditary cancer-predisposing syndrome. Also called: Hereditary Cancer Syndrome; Tumor predisposition; Neoplastic Syndromes, Hereditary; Hereditary neoplastic syndrome. Identifiers: Orphanet 140162, MedGen C0027672, MeSH D009386, MONDO:0015356.
Lymphangiomyomatosis (LAM). Also called: Lymphangioleiomyomatosis; Lymphangioleiomyomatosis, somatic. Identifiers: Orphanet 538, MedGen C0751674, MONDO:0011705, OMIM 606690.
Isolated focal cortical dysplasia type II (FCORD2). Also called: CORTICAL DYSPLASIA OF TAYLOR; Focal cortical dysplasia type II. Identifiers: Orphanet 268994, MedGen C1846385, MONDO:0011818, OMIM 607341, HP:0032051.
Tuberous sclerosis 1 (TSC1). Identifiers: Orphanet 805, MedGen C1854465, MONDO:0008612, OMIM 191100.
Tuberous sclerosis syndrome (TSC). Also called: Tuberous Sclerosis Complex; Tuberous sclerosis. Identifiers: Orphanet 805, MedGen C0041341, MONDO:0001734.

Submissions (13):

Myriad Genetics, Inc.
Classification: Pathogenic for Tuberous sclerosis 1. Last evaluated: 2026-04-30. Review status: criteria provided, single submitter. Criteria: Myriad Autosomal Dominant, Autosomal Recessive and X-Linked Classification Criteria (2023). Collection method: clinical testing. Allele origin: unknown.
Comment: This variant is considered pathogenic. This variant creates a frameshift predicted to result in premature protein truncation.

Genomic Medicine Center of Excellence, King Faisal Specialist Hospital and Research Centre
Classification: Pathogenic for Tuberous sclerosis 1. Last evaluated: 2025-09-10. Review status: criteria provided, single submitter. Criteria: ACMG Guidelines, 2015. Collection method: clinical testing. Allele origin: germline.

Molecular Pathology, Peter Maccallum Cancer Centre
Classification: Pathogenic for Tuberous sclerosis 1. Last evaluated: 2025-02-19. Review status: criteria provided, single submitter. Criteria: ACMG Guidelines, 2015. Collection method: clinical testing. Allele origin: germline. Inheritance: Autosomal dominant inheritance.

Ambry Genetics
Classification: Pathogenic for Hereditary cancer-predisposing syndrome. Last evaluated: 2024-07-25. Review status: criteria provided, single submitter. Criteria: Ambry Variant Classification Scheme 2023. Collection method: clinical testing. Allele origin: germline.
Comment: The c.1431_1434delAGAA pathogenic mutation, located in coding exon 12 of the TSC1 gene, results from a deletion of 4 nucleotides at nucleotide positions 1431 to 1434, causing a translational frameshift with a predicted alternate stop codon (p.E478Kfs*53). This variant has been reported in multiple individuals with features consistent with tuberous sclerosis complex (TSC) (Au KS et al. Genet Med, 2007 Feb;9:88-100; Luo C et al. Front Med (Lausanne), 2021 Nov;8:744050). This variant is considered to be rare based on population cohorts in the Genome Aggregation Database (gnomAD). In addition to the clinical data presented in the literature, this alteration is expected to result in loss of function by premature protein truncation or nonsense-mediated mRNA decay. As such, this alteration is interpreted as a disease-causing mutation.

GeneDx
Classification: Pathogenic. Last evaluated: 2024-07-03. Review status: criteria provided, single submitter. Criteria: GeneDx Variant Classification Process June 2021. Collection method: clinical testing. Allele origin: germline. Affected: yes.
Comment: Frameshift variant predicted to result in protein truncation or nonsense mediated decay in a gene for which loss of function is a known mechanism of disease; Not observed at significant frequency in large population cohorts (gnomAD); This variant is associated with the following publications: (PMID: 27535533, 17304050, 35870981)

Labcorp Genetics (formerly Invitae), Labcorp
Classification: Pathogenic for Tuberous sclerosis 1. Last evaluated: 2024-05-31. Review status: criteria provided, single submitter. Criteria: Invitae Variant Classification Sherloc (09022015). Collection method: clinical testing. Allele origin: germline.
Comment: This sequence change creates a premature translational stop signal (p.Glu478Lysfs*53) in the TSC1 gene. It is expected to result in an absent or disrupted protein product. Loss-of-function variants in TSC1 are known to be pathogenic (PMID: 10227394, 17304050). This variant is not present in population databases (gnomAD no frequency). This premature translational stop signal has been observed in individual(s) with TSC1-related conditions (PMID: 21520333). ClinVar contains an entry for this variant (Variation ID: 48779). For these reasons, this variant has been classified as Pathogenic.

Fulgent Genetics
Classification: Pathogenic for Tuberous sclerosis 1; Lymphangiomyomatosis; Isolated focal cortical dysplasia type II. Last evaluated: 2024-03-08. Review status: criteria provided, single submitter. Criteria: ACMG Guidelines, 2015. Collection method: clinical testing. Allele origin: germline.

MGZ Medical Genetics Center
Classification: Pathogenic for Tuberous sclerosis 1. Last evaluated: 2022-06-28. Review status: criteria provided, single submitter. Criteria: ACMG Guidelines, 2015. Collection method: clinical testing. Allele origin: germline. Affected: yes. Observed: 3 variant alleles.
Comment: ACMG criteria applied: PVS1, PS4_SUP, PM2_SUP, PP4

Blueprint Genetics
Classification: Pathogenic for TSC1-related disorders. Last evaluated: 2022-02-16. Review status: criteria provided, single submitter. Criteria: ACMG Guidelines, 2015. Collection method: clinical testing. Allele origin: germline. Affected: yes. Observed: 2 variant alleles.

Genome-Nilou Lab
Classification: Pathogenic for Tuberous sclerosis 1. Last evaluated: 2021-11-07. Review status: criteria provided, single submitter. Criteria: ACMG Guidelines, 2015. Collection method: clinical testing. Allele origin: germline. Affected: no.

CeGaT Center for Human Genetics Tuebingen
Classification: Pathogenic. Last evaluated: 2019-06-01. Review status: criteria provided, single submitter. Criteria: CeGaT Center For Human Genetics Tuebingen Variant Classification Criteria Version 2. Collection method: clinical testing. Allele origin: germline. Affected: yes. Observed: 1 variant allele.

Athena Diagnostics
Classification: Pathogenic for Tuberous sclerosis 1. Last evaluated: 2014-05-30. Review status: criteria provided, single submitter. Criteria: Athena Diagnostics Criteria. Collection method: clinical testing. Allele origin: germline. Inheritance: Autosomal dominant inheritance.

Tuberous sclerosis database (TSC1)
No classification provided. Condition: TSC. Review status: no classification provided. Criteria: Tuberous Sclerosis Database Assertion Criteria 2015. Collection method: curation. Allele origin: germline. Affected: yes. Not counted in ClinVar's aggregate classification.

Literature cited by the submitters: PubMed 17304050 (cited by 3 submitters); PubMed 34901059 (cited by Ambry Genetics); PubMed 10227394 (cited by Labcorp Genetics (formerly Invitae), Labcorp); PubMed 21520333 (cited by Labcorp Genetics (formerly Invitae), Labcorp).

NM_000368.5(TSC1):c.1431_1434del (p.Glu478fs)

Gene: TSC1 (TSC complex subunit 1; minus strand). Cytogenetic location: 9q34.13.
Variant type: Deletion.
Coding change: c.1431_1434del on transcript NM_000368.5 (MANE Select); coding-DNA positions 1431 to 1434, 4 bases deleted (AGAA; older notation c.1431_1434delAGAA).
Protein change: p.Glu478fs; shifts the reading frame from glutamic acid 478.
Molecular consequence: frameshift variant.
Genome position (GRCh38, 1-based): chr9:132,906,735-132,906,738, TTCT deleted on the plus strand (AGAA on the coding strand, the reverse complement: TSC1 is on the minus strand); deleting any 4 consecutive bases within chr9:132,906,735-132,906,740 gives the same sequence; the c. name uses the placement nearest the transcript's 3' end. VCF-style (leftmost placement, unchanged base first): chr9-132906734-CTTCT-C. GRCh37 (hg19) VCF-style: chr9-135782121-CTTCT-C.
Other names: c.1428_1431del, p.Glu477fs (NM_001162426.2); c.1278_1281del, p.Glu427fs (NM_001162427.2); c.1068_1071del, p.Glu357fs (NM_001362177.2); c.1431_1434delAGAA (NM_000368.4); short protein forms E357fs, E427fs, E478fs, E477fs.
Identifiers: ClinVar variation 48779 (VCV000048779.61), dbSNP rs118203527, ClinGen allele CA004788.
Genomic context (GRCh38, chr9:132,906,734, plus strand): 5'-TTTATAGCAGAGCGAGGGTCAGGTTTTATCAACTCATAGCAATCCCACATACATTACCTT[CTTCT>C]TTATCTTTTTCAATACTATCTTCTTCAGAGGCCAGATCACCTAAAAACCCTGGAAGATCA-3'